The following is an entry in ClinVar:

ClinVar aggregate classification (germline): Uncertain significance. Review status: criteria provided, multiple submitters, no conflicts (2 of 4 stars). 2 submissions from 2 submitters: Uncertain significance (2). Last evaluated 2024-03-14.

Conditions:
Neuropathy, hereditary motor and sensory, type 6B (HMSN6B). Also called: NEUROPATHY, HEREDITARY MOTOR AND SENSORY, TYPE VIB, WITH OPTIC ATROPHY; Neuropathy, hereditary motor and sensory, type VIB; HMSN VIB; CHARCOT-MARIE-TOOTH DISEASE, TYPE 6B. Identifiers: MedGen C4225302, MONDO:0014671, OMIM 616505.

Submissions (2):

Genomic Medicine Center of Excellence, King Faisal Specialist Hospital and Research Centre
Classification: Uncertain significance for Neuropathy, hereditary motor and sensory, type VIB. Last evaluated: 2024-03-14. Review status: criteria provided, single submitter. Criteria: ACMG Guidelines, 2015. Collection method: clinical testing. Allele origin: germline.

Baylor Genetics
Classification: Uncertain significance for Neuropathy, hereditary motor and sensory, type 6B. Last evaluated: 2020-01-16. Review status: criteria provided, single submitter. Criteria: ACMG Guidelines, 2015. Collection method: clinical testing. Allele origin: unknown. Affected: yes.
Comment: This variant was determined to be of uncertain significance according to ACMG Guidelines, 2015 [PMID:25741868].

NM_138773.4(SLC25A46):c.389A>C (p.Asn130Thr)

Gene: SLC25A46 (solute carrier family 25 member 46; plus strand). Cytogenetic location: 5q22.1.
Variant type: single nucleotide variant.
Coding change: c.389A>C on transcript NM_138773.4 (MANE Select); coding-DNA position 389, A replaced by C.
Protein change: p.Asn130Thr; replaces asparagine 130 with threonine.
Molecular consequence: missense variant. On other transcripts: non-coding transcript variant (1).
Genome position (GRCh38, 1-based): chr5:110,746,273, A>C. VCF-style: chr5-110746273-A-C. GRCh37 (hg19) VCF-style: chr5-110081974-A-C.
Other names: c.389A>C, p.Asn130Thr (NM_001303249.3); c.116A>C, p.Asn39Thr (NM_001303250.3); short protein forms N130T, N39T.
Identifiers: ClinVar variation 1031151 (VCV001031151.2), dbSNP rs1007822688, ClinGen allele CA125343340.